The following is an entry in ClinVar:

NM_001277115.2(DNAH11):c.5368G>T (p.Glu1790Ter)

Gene: DNAH11 (dynein axonemal heavy chain 11; plus strand). Cytogenetic location: 7p15.3.
Variant type: single nucleotide variant.
Coding change: c.5368G>T on transcript NM_001277115.2 (MANE Select); coding-DNA position 5368, G replaced by T.
Protein change: p.Glu1790Ter; replaces glutamic acid 1790 with a stop codon.
Molecular consequence: nonsense.
Genome position (GRCh38, 1-based): chr7:21,681,585, G>T. VCF-style: chr7-21681585-G-T. GRCh37 (hg19) VCF-style: chr7-21721203-G-T.
Other names: short protein forms E1790*.
Identifiers: ClinVar variation 454684 (VCV000454684.7), dbSNP rs1164659091, ClinGen allele CA366946721.
Genomic context (GRCh38, chr7:21,681,585, plus strand): 5'-TTAAAAAATGATTCCTTCTAGATTTCTCAGCTGAATACACTGATTACACTTTTGCTGGGA[G>T]AACTTCCACCTGGAGACAGACAGAAGATCATGACAATTTGTACCATAGATGTCCATGCCA-3'

ClinVar aggregate classification (germline): Pathogenic (1 of 4 stars; one submission).

Conditions:
Primary ciliary dyskinesia. Also called: Ciliary dyskinesia. Identifiers: Orphanet 244, MedGen C0008780, MONDO:0016575, HP:0012265.

Allele frequency attached by ClinVar (database versions not stated): TOPMed below 0.00001; gnomAD 0.00003.

Submission:

Labcorp Genetics (formerly Invitae), Labcorp
Classification: Pathogenic for Primary ciliary dyskinesia. Last evaluated: 2021-06-08. Review status: criteria provided, single submitter. Criteria: Invitae Variant Classification Sherloc (09022015). Collection method: clinical testing. Allele origin: germline.
Comment: This sequence change creates a premature translational stop signal (p.Glu1790*) in the DNAH11 gene. It is expected to result in an absent or disrupted protein product. Loss-of-function variants in DNAH11 are known to be pathogenic (PMID: 18022865, 20513915, 22184204). This variant is not present in population databases (ExAC no frequency). This variant has not been reported in the literature in individuals with DNAH11-related conditions. ClinVar contains an entry for this variant (Variation ID: 454684). For these reasons, this variant has been classified as Pathogenic.

Literature cited by the submitters: PubMed 18022865; PubMed 20513915; PubMed 22184204.